The following is an entry in ClinVar:

ClinVar aggregate classification (germline): Uncertain significance. Review status: criteria provided, multiple submitters, no conflicts (2 of 4 stars). 2 submissions from 2 submitters: Uncertain significance (2). Last evaluated 2025-05-03.

Conditions:
Cardiovascular phenotype. Identifiers: MedGen CN230736.
Hereditary cancer-predisposing syndrome. Also called: Tumor predisposition; Neoplastic Syndromes, Hereditary; Hereditary neoplastic syndrome; Hereditary Cancer Syndrome. Identifiers: Orphanet 140162, MedGen C0027672, MeSH D009386, MONDO:0015356.

Submissions (2):

Ambry Genetics
Classification: Uncertain significance for Cardiovascular phenotype; Hereditary cancer-predisposing syndrome. Last evaluated: 2025-05-03. Review status: criteria provided, single submitter. Criteria: Ambry Variant Classification Scheme 2023. Collection method: clinical testing. Allele origin: germline.
Comment: The c.2460_2462delCAT variant (also known as p.I821del) is located in coding exon 21 of the LZTR1 gene. This variant results from an in-frame CAT deletion at nucleotide positions 2460 to 2462. This results in the in-frame deletion of an isoleucine at codon 821. This amino acid position is highly conserved in available vertebrate species. In addition, this alteration is predicted to be deleterious by in silico analysis (Choi Y et al. PLoS ONE. 2012; 7(10):e46688). Based on the available evidence, the clinical significance of this variant remains unclear.

Women's Health and Genetics/Laboratory Corporation of America, LabCorp
Classification: Uncertain significance. Last evaluated: 2023-10-23. Review status: criteria provided, single submitter. Criteria: LabCorp Variant Classification Summary - May 2015. Collection method: clinical testing. Allele origin: germline.
Comment: Variant summary: LZTR1 c.2460_2462delCAT (p.Ile821del) results in an in-frame deletion that is predicted to remove one amino acid from the encoded protein. The variant was absent in 250866 control chromosomes. The available data on variant occurrences in the general population are insufficient to allow any conclusion about variant significance. To our knowledge, no occurrence of c.2460_2462delCAT in individuals affected with Noonan Syndrome and no experimental evidence demonstrating its impact on protein function have been reported. No submitters have cited clinical-significance assessments for this variant to ClinVar after 2014. Based on the evidence outlined above, the variant was classified as uncertain significance.

NM_006767.4(LZTR1):c.2457CAT[1] (p.Ile821del)

Gene: LZTR1 (leucine zipper like post translational regulator 1; plus strand). Cytogenetic location: 22q11.21.
Variant type: Microsatellite.
Coding change: c.2457CAT[1] on transcript NM_006767.4 (MANE Select); one copy of the 3-base unit CAT starting at c.2457; the reference has two copies in a row; one copy, 3 bases deleted.
Protein change: p.Ile821del; deletes isoleucine 821.
Molecular consequence: inframe deletion.
Genome position (GRCh38, 1-based): chr22:20,997,285-20,997,287, CAT deleted; deleting any 3 consecutive bases within chr22:20,997,282-20,997,287 gives the same sequence; the position shown is the placement nearest the transcript's 3' end. VCF-style (leftmost placement, unchanged base first): chr22-20997281-ACAT-A. GRCh37 (hg19) VCF-style: chr22-21351570-ACAT-A.
Other names: c.2460_2462delCAT (NM_006767.4, NM_006767.3); short protein forms I821del.
Identifiers: ClinVar variation 2637869 (VCV002637869.2), dbSNP rs2518626747, ClinGen allele CA2695200078.
Genomic context (GRCh38, chr22:20,997,281, plus strand): 5'-TTGCCTTACAGGTCTCCAAGTTGCCCACCCTGCGGTCGCTGAGCCAGCAGCTGCTGCTGG[ACAT>A]CATAGACTCCCTGGCCTCCCACATCTCAGACAAGCAGTGCGCAGAGCTGGGCGCCGACAT-3'